The following is an entry in ClinVar:

NM_001139.3(ALOX12B):c.1463G>C (p.Arg488Pro)

Gene: ALOX12B (arachidonate 12-lipoxygenase, 12R type; minus strand). Cytogenetic location: 17p13.1.
Variant type: single nucleotide variant.
Coding change: c.1463G>C on transcript NM_001139.3 (MANE Select); coding-DNA position 1463, G replaced by C.
Protein change: p.Arg488Pro; replaces arginine 488 with proline.
Molecular consequence: missense variant.
Genome position (GRCh38, 1-based): chr17:8,076,244, C>G on the plus strand (G>C on the coding strand, the complement: ALOX12B is on the minus strand). VCF-style: chr17-8076244-C-G. GRCh37 (hg19) VCF-style: chr17-7979562-C-G.
Other names: short protein forms R488P.
Identifiers: ClinVar variation 2030744 (VCV002030744.4), dbSNP rs763468558, ClinGen allele CA397990485.

ClinVar aggregate classification (germline): Pathogenic (1 of 4 stars; one submission).

Submission:

Labcorp Genetics (formerly Invitae), Labcorp
Classification: Pathogenic. Last evaluated: 2024-02-23. Review status: criteria provided, single submitter. Criteria: Invitae Variant Classification Sherloc (09022015). Collection method: clinical testing. Allele origin: germline.
Comment: This sequence change replaces arginine, which is basic and polar, with proline, which is neutral and non-polar, at codon 488 of the ALOX12B protein (p.Arg488Pro). This variant is not present in population databases (gnomAD no frequency). This missense change has been observed in individual(s) with clinical features of congenital ichthyosis (Invitae). ClinVar contains an entry for this variant (Variation ID: 2030744). Advanced modeling of protein sequence and biophysical properties (such as structural, functional, and spatial information, amino acid conservation, physicochemical variation, residue mobility, and thermodynamic stability) performed at Invitae indicates that this missense variant is expected to disrupt ALOX12B protein function with a positive predictive value of 80%. This variant disrupts the p.Arg488 amino acid residue in ALOX12B. Other variant(s) that disrupt this residue have been determined to be pathogenic (PMID: 16116617, 16792775). This suggests that this residue is clinically significant, and that variants that disrupt this residue are likely to be disease-causing. For these reasons, this variant has been classified as Pathogenic.

Literature cited by the submitters: PubMed 16116617; PubMed 16792775.